The following is an entry in ClinVar:

ClinVar aggregate classification (germline): Uncertain significance (1 of 4 stars; one submission).

Conditions:
Hereditary cancer-predisposing syndrome. Also called: Hereditary neoplastic syndrome; Neoplastic Syndromes, Hereditary; Tumor predisposition; Hereditary Cancer Syndrome. Identifiers: Orphanet 140162, MedGen C0027672, MeSH D009386, MONDO:0015356.

Submission:

Ambry Genetics
Classification: Uncertain significance for Hereditary cancer-predisposing syndrome. Last evaluated: 2025-02-13. Review status: criteria provided, single submitter. Criteria: Ambry Variant Classification Scheme 2023. Collection method: clinical testing. Allele origin: germline.
Comment: The p.S277P variant (also known as c.829T>C), located in coding exon 6 of the BRIP1 gene, results from a T to C substitution at nucleotide position 829. The serine at codon 277 is replaced by proline, an amino acid with similar properties. This amino acid position is conserved. In addition, this alteration is predicted to be deleterious by in silico analysis. Based on the available evidence, the clinical significance of this variant remains unclear.

NM_032043.3(BRIP1):c.829T>C (p.Ser277Pro)

Gene: BRIP1 (BRCA1 interacting DNA helicase 1; minus strand). Cytogenetic location: 17q23.2.
Variant type: single nucleotide variant.
Coding change: c.829T>C on transcript NM_032043.3 (MANE Select); coding-DNA position 829, T replaced by C.
Protein change: p.Ser277Pro; replaces serine 277 with proline.
Molecular consequence: missense variant.
Genome position (GRCh38, 1-based): chr17:61,808,556, A>G on the plus strand (T>C on the coding strand, the complement: BRIP1 is on the minus strand). VCF-style: chr17-61808556-A-G. GRCh37 (hg19) VCF-style: chr17-59885917-A-G.
Other names: short protein forms S277P.
Identifiers: ClinVar variation 3825692 (VCV003825692.1).
Genomic context (GRCh38, chr17:61,808,556, plus strand): 5'-TCTCATTTCTGTTGAAGTTACCGACTACCTCAGGATGGACACAAGTATGATCCCTGCTGG[A>G]AAGAATAGTCATTGGAACCCCTGAATATGCCGTCCTCCGGAGCTCTCTAGTAATCTGAGC-3'
Protein context (NP_114432.2, residues 267-287): AYSGVPMTIL[Ser277Pro]SRDHTCVHPE